The following is an entry in ClinVar:

ClinVar aggregate classification (germline): Conflicting classifications of pathogenicity. Review status: criteria provided, conflicting classifications (1 of 4 stars). 5 submissions from 5 submitters: Uncertain significance (1); Likely benign (4). Last evaluated 2026-09-21.

Conditions:
Familial hypobetalipoproteinemia 1. Also called: Hypobetalipoproteinemia, normotriglyceridemic; Acanthocytosis with hypobetalipoproteinemia; APOB-Related Familial Hypobetalipoproteinemia. Identifiers: MedGen C4551990, MONDO:0014252, OMIM 615558.
Hypercholesterolemia, autosomal dominant, type B (FHCL2). Also called: APOLIPOPROTEIN B-100, FAMILIAL LIGAND-DEFECTIVE; APOLIPOPROTEIN B-100, FAMILIAL DEFECTIVE; Hyperlipoproteinemia Type IIb; Familial Hypercholesterolemia Type B; Familial hypercholesterolemia 2; APOB-Related Familial Hypercholesterolemia, Autosomal Dominant. Identifiers: MedGen C1704417, MONDO:0007751, OMIM 144010.
Cardiovascular phenotype. Identifiers: MedGen CN230736.

Allele frequency attached by ClinVar (database versions not stated): 1000 Genomes Project 30x 0.00016; 1000 Genomes Project 0.00020; gnomAD exomes 0.00002; TOPMed 0.00008; gnomAD 0.00010; ExAC 0.00002; ESP Exome Variant Server 0.00023.

Submissions (5):

Molecular Diagnostic Laboratory for Inherited Cardiovascular Disease, Montreal Heart Institute
Classification: Likely benign. Last evaluated: 2026-09-21. Review status: criteria provided, single submitter. Criteria: ACMG Guidelines, 2015. Collection method: clinical testing. Allele origin: germline. Affected: no.
Comment: BP7

Labcorp Genetics (formerly Invitae), Labcorp
Classification: Likely benign for Familial hypobetalipoproteinemia 1; Hypercholesterolemia, autosomal dominant, type B. Last evaluated: 2025-11-21. Review status: criteria provided, single submitter. Criteria: Invitae Variant Classification Sherloc (09022015). Collection method: clinical testing. Allele origin: germline.

Blueprint Genetics
Classification: Likely benign. Last evaluated: 2023-11-23. Review status: criteria provided, single submitter. Criteria: ACMG Guidelines, 2015. Collection method: clinical testing. Allele origin: germline.

Ambry Genetics
Classification: Likely benign for Cardiovascular phenotype. Last evaluated: 2022-02-18. Review status: criteria provided, single submitter. Criteria: Ambry Variant Classification Scheme 2023. Collection method: clinical testing. Allele origin: germline.

Eurofins Ntd Llc (ga)
Classification: Uncertain significance. Last evaluated: 2017-11-09. Review status: criteria provided, single submitter. Criteria: EGL Classification Definitions 2015. Collection method: clinical testing. Allele origin: germline. Observed: 1 variant allele, 1 heterozygote.

NM_000384.3(APOB):c.8661T>C (p.Thr2887=)

Gene: APOB (apolipoprotein B; minus strand). Cytogenetic location: 2p24.1.
Variant type: single nucleotide variant.
Coding change: c.8661T>C on transcript NM_000384.3 (MANE Select); coding-DNA position 8661, T replaced by C.
Protein change: p.Thr2887=; no amino-acid change (threonine 2887 retained).
Molecular consequence: synonymous variant.
Genome position (GRCh38, 1-based): chr2:21,008,207, A>G on the plus strand (T>C on the coding strand, the complement: APOB is on the minus strand). VCF-style: chr2-21008207-A-G. GRCh37 (hg19) VCF-style: chr2-21231079-A-G.
Identifiers: ClinVar variation 594732 (VCV000594732.23), dbSNP rs144023029, ClinGen allele CA065879.